The following is an entry in ClinVar:

NM_022370.4(ROBO3):c.940G>A (p.Gly314Arg)

Gene: ROBO3 (roundabout guidance receptor 3; plus strand). Cytogenetic location: 11q24.2.
Variant type: single nucleotide variant.
Coding change: c.940G>A on transcript NM_022370.4 (MANE Select); coding-DNA position 940, G replaced by A.
Protein change: p.Gly314Arg; replaces glycine 314 with arginine.
Molecular consequence: missense variant.
Genome position (GRCh38, 1-based): chr11:124,870,635, G>A. VCF-style: chr11-124870635-G-A. GRCh37 (hg19) VCF-style: chr11-124740531-G-A.
Other names: short protein forms G314R.
Identifiers: ClinVar variation 3371515 (VCV003371515.1).

ClinVar aggregate classification (germline): Uncertain significance (1 of 4 stars; one submission).

Submission:

GeneDx
Classification: Uncertain significance. Last evaluated: 2024-03-28. Review status: criteria provided, single submitter. Criteria: GeneDx Variant Classification Process June 2021. Collection method: clinical testing. Allele origin: germline. Affected: yes.
Comment: In silico analysis supports that this missense variant does not alter protein structure/function; However, In silico analysis supports a deleterious effect on splicing; Not observed at significant frequency in large population cohorts (gnomAD); Has not been previously published as pathogenic or benign to our knowledge